The following is an entry in ClinVar:

NM_030665.4(RAI1):c.2483G>A (p.Cys828Tyr)

Gene: RAI1 (retinoic acid induced 1; plus strand). Cytogenetic location: 17p11.2.
Variant type: single nucleotide variant.
Coding change: c.2483G>A on transcript NM_030665.4 (MANE Select); coding-DNA position 2483, G replaced by A.
Protein change: p.Cys828Tyr; replaces cysteine 828 with tyrosine.
Molecular consequence: missense variant.
Genome position (GRCh38, 1-based): chr17:17,795,431, G>A. VCF-style: chr17-17795431-G-A. GRCh37 (hg19) VCF-style: chr17-17698745-G-A.
Other names: short protein forms C828Y.
Identifiers: ClinVar variation 3664340 (VCV003664340.2).
Genomic context (GRCh38, chr17:17,795,431, plus strand): 5'-GGGACTTCAAGCAGGAGGAGGTGGGTGGGGTGAAGGAGGAGGCAGGTGGGCTGCTGCAGT[G>A]CCCCGAGGTGGCCAAGGCTGACCGGTGGCTGGAGGACAGCCGGCACTGCTGTTCCACCGC-3'
Protein context (NP_109590.3, residues 818-838): VKEEAGGLLQ[Cys828Tyr]PEVAKADRWL

ClinVar aggregate classification (germline): Uncertain significance (1 of 4 stars; one submission).

gnomAD v4.1: 1 of 1,591,184 alleles (0.000063%); highest among the groups gnomAD compares: South Asian, 0.0011%; no homozygotes.

Submission:

Labcorp Genetics (formerly Invitae), Labcorp
Classification: Uncertain significance. Last evaluated: 2024-09-03. Review status: criteria provided, single submitter. Criteria: Invitae Variant Classification Sherloc (09022015). Collection method: clinical testing. Allele origin: germline.
Comment: This sequence change replaces cysteine, which is neutral and slightly polar, with tyrosine, which is neutral and polar, at codon 828 of the RAI1 protein (p.Cys828Tyr). This variant is not present in population databases (gnomAD no frequency). This variant has not been reported in the literature in individuals affected with RAI1-related conditions. Invitae Evidence Modeling of protein sequence and biophysical properties (such as structural, functional, and spatial information, amino acid conservation, physicochemical variation, residue mobility, and thermodynamic stability) indicates that this missense variant is not expected to disrupt RAI1 protein function with a negative predictive value of 80%. In summary, the available evidence is currently insufficient to determine the role of this variant in disease. Therefore, it has been classified as a Variant of Uncertain Significance.